The following is an entry in ClinVar:

NM_002890.3(RASA1):c.2759-12A>G

Genes: CCNH (cyclin H; minus strand), RASA1 (RAS p21 protein activator 1; plus strand). Cytogenetic location: 5q14.3.
Variant type: single nucleotide variant.
Coding change: c.2759-12A>G on transcript NM_002890.3 (MANE Select); 12 bases into the intron before coding-DNA position 2759, A replaced by G.
Molecular consequence: intron variant.
Genome position (GRCh38, 1-based): chr5:87,385,289, A>G. VCF-style: chr5-87385289-A-G. GRCh37 (hg19) VCF-style: chr5-86681106-A-G.
Other names: c.2228-12A>G (NM_022650.3); c.933+9755T>C (NM_001364075.2).
Identifiers: ClinVar variation 2729582 (VCV002729582.3), dbSNP rs530525048, ClinGen allele CA121817981.
Genomic context (GRCh38, chr5:87,385,289, plus strand): 5'-CTAAATTTATAATGGTTTAGCTGGAAGTGCTGTTGGACTTGGTGTCATTAGCTGTGCCCA[A>G]TTCTGTTACAGATTCTCCATCTCCTATTGCTGCAAGAACACTGATATTAGTGGCTAAATC-3'

ClinVar aggregate classification (germline): Uncertain significance (1 of 4 stars; one submission).

Conditions:
Capillary malformation-arteriovenous malformation syndrome. Also called: Capillary malformation-arteriovenous malformation. Identifiers: Orphanet 137667, MedGen C1842180, MONDO:0012016.

Allele frequency attached by ClinVar (database versions not stated): gnomAD 0.00001; gnomAD exomes below 0.00001; TOPMed 0.00002.
gnomAD v4.1: 7 of 1,579,366 alleles (0.00044%); highest among the groups gnomAD compares: African/African-American, 0.0013%; no homozygotes.

Submission:

Labcorp Genetics (formerly Invitae), Labcorp
Classification: Uncertain significance for Capillary malformation-arteriovenous malformation syndrome. Last evaluated: 2025-10-26. Review status: criteria provided, single submitter. Criteria: Invitae Variant Classification Sherloc (09022015). Collection method: clinical testing. Allele origin: germline.
Comment: This sequence change falls in intron 21 of the RASA1 gene. It does not directly change the encoded amino acid sequence of the RASA1 protein. This variant is present in population databases (rs530525048, gnomAD 0.01%). This variant has not been reported in the literature in individuals affected with RASA1-related conditions. ClinVar contains an entry for this variant (Variation ID: 2729582). Algorithms developed to predict the effect of sequence changes on RNA splicing suggest that this variant may disrupt the consensus splice site. In summary, the available evidence is currently insufficient to determine the role of this variant in disease. Therefore, it has been classified as a Variant of Uncertain Significance.